The following is an entry in ClinVar:

NM_025099.6(CTC1):c.2908A>G (p.Ser970Gly)

Gene: CTC1 (CST telomere replication complex component 1; minus strand). Cytogenetic location: 17p13.1.
Variant type: single nucleotide variant.
Coding change: c.2908A>G on transcript NM_025099.6 (MANE Select); coding-DNA position 2908, A replaced by G.
Protein change: p.Ser970Gly; replaces serine 970 with glycine.
Molecular consequence: missense variant. On other transcripts: non-coding transcript variant (1).
Genome position (GRCh38, 1-based): chr17:8,230,319, T>C on the plus strand (A>G on the coding strand, the complement: CTC1 is on the minus strand). VCF-style: chr17-8230319-T-C. GRCh37 (hg19) VCF-style: chr17-8133637-T-C.
Other names: c.2908A>G, p.Ser970Gly (NM_001411067.1); short protein forms S970G.
Identifiers: ClinVar variation 2860484 (VCV002860484.3), dbSNP rs2507880668, ClinGen allele CA397973738.

ClinVar aggregate classification (germline): Uncertain significance (1 of 4 stars; one submission).

Conditions:
Dyskeratosis congenita. Identifiers: Orphanet 1775, MedGen C0265965, MONDO:0015780.

Submission:

Labcorp Genetics (formerly Invitae), Labcorp
Classification: Uncertain significance for Dyskeratosis congenita. Last evaluated: 2023-04-28. Review status: criteria provided, single submitter. Criteria: Invitae Variant Classification Sherloc (09022015). Collection method: clinical testing. Allele origin: germline.
Comment: This variant is not present in population databases (gnomAD no frequency). This sequence change replaces serine, which is neutral and polar, with glycine, which is neutral and non-polar, at codon 970 of the CTC1 protein (p.Ser970Gly). This variant has not been reported in the literature in individuals affected with CTC1-related conditions. Advanced modeling of protein sequence and biophysical properties (such as structural, functional, and spatial information, amino acid conservation, physicochemical variation, residue mobility, and thermodynamic stability) performed at Invitae indicates that this missense variant is not expected to disrupt CTC1 protein function. In summary, the available evidence is currently insufficient to determine the role of this variant in disease. Therefore, it has been classified as a Variant of Uncertain Significance.